The following is an entry in ClinVar:

NM_000179.3(MSH6):c.415A>T (p.Thr139Ser)

Gene: MSH6 (mutS homolog 6; plus strand). Cytogenetic location: 2p16.3.
Variant type: single nucleotide variant.
Coding change: c.415A>T on transcript NM_000179.3 (MANE Select); coding-DNA position 415, A replaced by T.
Protein change: p.Thr139Ser; replaces threonine 139 with serine.
Molecular consequence: missense variant. On other transcripts: 5 prime UTR variant (7), non-coding transcript variant (5), intron variant (6).
Genome position (GRCh38, 1-based): chr2:47,791,081, A>T. VCF-style: chr2-47791081-A-T. GRCh37 (hg19) VCF-style: chr2-48018220-A-T.
Other names: c.-322A>T (NM_001406811.1, NM_001281493.2, NM_001406823.1 and 1 more transcripts); c.415A>T, p.Thr139Ser (NM_001406813.1, NM_001406796.1, NM_001406798.1 and 6 more transcripts); c.-488A>T (NM_001281494.2); c.511A>T, p.Thr171Ser (NM_001406795.1, NM_001406802.1); c.118A>T, p.Thr40Ser (NM_001406797.1, NM_001406801.1, NM_001406805.1 and 10 more transcripts); c.337A>T, p.Thr113Ser (NM_001406804.1); c.-514A>T (NM_001406807.1); c.-580A>T (NM_001406814.1); and 5 more; short protein forms T171S, T40S, T113S, T139S, T83S.
Identifiers: ClinVar variation 3633908 (VCV003633908.2).

ClinVar aggregate classification (germline): Uncertain significance (1 of 4 stars; one submission).

Conditions:
Hereditary nonpolyposis colorectal neoplasms. Identifiers: MedGen C0009405, MeSH D003123.

Submission:

Labcorp Genetics (formerly Invitae), Labcorp
Classification: Uncertain significance for Hereditary nonpolyposis colorectal neoplasms. Last evaluated: 2024-03-07. Review status: criteria provided, single submitter. Criteria: Invitae Variant Classification Sherloc (09022015). Collection method: clinical testing. Allele origin: germline.
Comment: This sequence change replaces threonine, which is neutral and polar, with serine, which is neutral and polar, at codon 139 of the MSH6 protein (p.Thr139Ser). This variant is not present in population databases (gnomAD no frequency). This variant has not been reported in the literature in individuals affected with MSH6-related conditions. Advanced modeling of protein sequence and biophysical properties (such as structural, functional, and spatial information, amino acid conservation, physicochemical variation, residue mobility, and thermodynamic stability) performed at Invitae indicates that this missense variant is not expected to disrupt MSH6 protein function with a negative predictive value of 95%. In summary, the available evidence is currently insufficient to determine the role of this variant in disease. Therefore, it has been classified as a Variant of Uncertain Significance.